The following is an entry in ClinVar:

NM_003072.5(SMARCA4):c.634G>A (p.Gly212Arg)

Gene: SMARCA4 (SWI/SNF related BAF chromatin remodeling complex subunit ATPase 4; plus strand). Cytogenetic location: 19p13.2.
Variant type: single nucleotide variant.
Coding change: c.634G>A on transcript NM_003072.5 (MANE Select); coding-DNA position 634, G replaced by A.
Protein change: p.Gly212Arg; replaces glycine 212 with arginine.
Molecular consequence: missense variant. On other transcripts: non-coding transcript variant (1).
Genome position (GRCh38, 1-based): chr19:10,986,467, G>A. VCF-style: chr19-10986467-G-A. GRCh37 (hg19) VCF-style: chr19-11097143-G-A.
Other names: c.634G>A, p.Gly212Arg (NM_001128844.3, NM_001128845.2, NM_001128846.2 and 5 more transcripts); short protein forms G212R.
Identifiers: ClinVar variation 470442 (VCV000470442.18), dbSNP rs886937766, ClinGen allele CA305286817.

ClinVar aggregate classification (germline): Uncertain significance. Review status: criteria provided, multiple submitters, no conflicts (2 of 4 stars). 3 submissions from 3 submitters: Uncertain significance (3). Last evaluated 2025-10-28.

Conditions:
Hereditary cancer-predisposing syndrome. Also called: Hereditary neoplastic syndrome; Neoplastic Syndromes, Hereditary; Tumor predisposition; Hereditary Cancer Syndrome. Identifiers: Orphanet 140162, MedGen C0027672, MeSH D009386, MONDO:0015356.
Intellectual disability, autosomal dominant 16 (CSS4). Also called: COFFIN-SIRIS SYNDROME 4. Identifiers: Orphanet 1465, MedGen C3553249, MONDO:0013821, OMIM 614609.
Rhabdoid tumor predisposition syndrome 2 (RTPS2). Identifiers: Orphanet 231108, Orphanet 69077, MedGen C2750074, MONDO:0013224, OMIM 613325.

Allele frequency attached by ClinVar (database versions not stated): gnomAD exomes below 0.00001.
gnomAD v4.1: 1 of 1,556,004 alleles (0.000064%); highest among the groups gnomAD compares: Non-Finnish European, 0.000087%; no homozygotes.

Submissions (3):

Ambry Genetics
Classification: Uncertain significance for Hereditary cancer-predisposing syndrome. Last evaluated: 2025-10-28. Review status: criteria provided, single submitter. Criteria: Ambry Variant Classification Scheme 2023. Collection method: clinical testing. Allele origin: germline.
Comment: The p.G212R variant (also known as c.634G>A), located in coding exon 3 of the SMARCA4 gene, results from a G to A substitution at nucleotide position 634. The glycine at codon 212 is replaced by arginine, an amino acid with dissimilar properties. This variant has been detected in multiple individuals with no reported features of Coffin-Siris syndrome (Ambry internal data). This amino acid position is highly conserved in available vertebrate species. In addition, this alteration is predicted to be deleterious by in silico analysis. Based on the supporting evidence, the association of this alteration with rhabdoid tumor predisposition syndrome is unknown; however, the association of this alteration with Coffin-Siris syndrome is unlikely.

Labcorp Genetics (formerly Invitae), Labcorp
Classification: Uncertain significance for Rhabdoid tumor predisposition syndrome 2. Last evaluated: 2025-08-17. Review status: criteria provided, single submitter. Criteria: Invitae Variant Classification Sherloc (09022015). Collection method: clinical testing. Allele origin: germline.
Comment: This sequence change replaces glycine, which is neutral and non-polar, with arginine, which is basic and polar, at codon 212 of the SMARCA4 protein (p.Gly212Arg). This variant is not present in population databases (gnomAD no frequency). This variant has not been reported in the literature in individuals affected with SMARCA4-related conditions. ClinVar contains an entry for this variant (Variation ID: 470442). Invitae Evidence Modeling of protein sequence and biophysical properties (such as structural, functional, and spatial information, amino acid conservation, physicochemical variation, residue mobility, and thermodynamic stability) indicates that this missense variant is not expected to disrupt SMARCA4 protein function with a negative predictive value of 95%. In summary, the available evidence is currently insufficient to determine the role of this variant in disease. Therefore, it has been classified as a Variant of Uncertain Significance.

Genome-Nilou Lab
Classification: Uncertain significance for Intellectual disability, autosomal dominant 16. Last evaluated: 2021-07-15. Review status: criteria provided, single submitter. Criteria: ACMG Guidelines, 2015. Collection method: clinical testing. Allele origin: germline. Affected: no.